The following is an entry in ClinVar:

NM_002225.5(IVD):c.235-18G>A

Gene: IVD (isovaleryl-CoA dehydrogenase; plus strand). Cytogenetic location: 15q15.1.
Variant type: single nucleotide variant.
Coding change: c.235-18G>A on transcript NM_002225.5 (MANE Select); 18 bases into the intron before coding-DNA position 235, G replaced by A.
Molecular consequence: intron variant.
Genome position (GRCh38, 1-based): chr15:40,407,921, G>A. VCF-style: chr15-40407921-G-A. GRCh37 (hg19) VCF-style: chr15-40700120-G-A.
Other names: c.322-18G>A (NM_001354600.3, NM_001354599.3); c.235-18G>A (NM_001354598.3, NM_001354601.3); c.187-18G>A (NM_001354597.3); c.145-18G>A (NM_001159508.3).
Identifiers: ClinVar variation 382073 (VCV000382073.11), dbSNP rs78272986, ClinGen allele CA7480562.

ClinVar aggregate classification (germline): Benign. Review status: criteria provided, multiple submitters, no conflicts (2 of 4 stars). 3 submissions from 3 submitters: Benign (2). 1 of the submissions does not count toward it. Last evaluated 2026-02-02.

Conditions:
Isovaleryl-CoA dehydrogenase deficiency (IVA). Also called: Classic Isovaleric Acidemia; ISOVALERIC ACID CoA DEHYDROGENASE DEFICIENCY; IVD DEFICIENCY; Isovaleric acidemia. Identifiers: Orphanet 33, MedGen C0268575, MONDO:0009475, OMIM 243500.

Allele frequency attached by ClinVar (database versions not stated): gnomAD exomes 0.00089 and 0.00246; ExAC 0.00323; gnomAD 0.01006 and 0.01081; TOPMed 0.01122; ESP Exome Variant Server 0.01215; 1000 Genomes Project 0.01338; 1000 Genomes Project 30x 0.01452.
gnomAD v4.1: 2,861 of 1,613,792 alleles (0.18%); highest among the groups gnomAD compares: African/African-American, 3.5%; 39 homozygotes.

Submissions (3):

Labcorp Genetics (formerly Invitae), Labcorp
Classification: Benign for Isovaleryl-CoA dehydrogenase deficiency. Last evaluated: 2026-02-02. Review status: criteria provided, single submitter. Criteria: Invitae Variant Classification Sherloc (09022015). Collection method: clinical testing. Allele origin: germline.

GeneDx
Classification: Benign. Last evaluated: 2016-02-12. Review status: criteria provided, single submitter. Criteria: GeneDx Variant Classification (06012015). Collection method: clinical testing. Allele origin: germline. Affected: yes.
Comment: This variant is considered likely benign or benign based on one or more of the following criteria: it is a conservative change, it occurs at a poorly conserved position in the protein, it is predicted to be benign by multiple in silico algorithms, and/or has population frequency not consistent with disease.

Natera, Inc.
Classification: Benign for Isovaleryl-coa dehydrogenase deficiency. Last evaluated: 2020-09-16. Review status: no assertion criteria provided. Collection method: clinical testing. Allele origin: germline. Not counted in ClinVar's aggregate classification.